The following is an entry in ClinVar:

NM_000719.7(CACNA1C):c.938C>G (p.Pro313Arg)

Gene: CACNA1C (calcium voltage-gated channel subunit alpha1 C; plus strand). Cytogenetic location: 12p13.33.
Variant type: single nucleotide variant.
Coding change: c.938C>G on transcript NM_000719.7 (MANE Select); coding-DNA position 938, C replaced by G.
Protein change: p.Pro313Arg; replaces proline 313 with arginine.
Molecular consequence: missense variant.
Genome position (GRCh38, 1-based): chr12:2,493,211, C>G. VCF-style: chr12-2493211-C-G. GRCh37 (hg19) VCF-style: chr12-2602377-C-G.
Other names: c.938C>G, p.Pro313Arg (NM_001129827.2, NM_001129829.2, NM_001129830.3 and 18 more transcripts); c.929C>G, p.Pro310Arg (NM_001129844.2); short protein forms P313R, P310R.
Identifiers: ClinVar variation 4745768 (VCV004745768.1).

ClinVar aggregate classification (germline): Uncertain significance (1 of 4 stars; one submission).

Conditions:
Long QT syndrome (LQTS). Identifiers: MedGen C0023976, MeSH D008133, MONDO:0002442. Disease mechanism: loss of function. Inheritance: Various modes of inheritance.

Submission:

Labcorp Genetics (formerly Invitae), Labcorp
Classification: Uncertain significance for Long QT syndrome. Last evaluated: 2025-11-12. Review status: criteria provided, single submitter. Criteria: Invitae Variant Classification Sherloc (09022015). Collection method: clinical testing. Allele origin: germline.
Comment: This sequence change replaces proline, which is neutral and non-polar, with arginine, which is basic and polar, at codon 313 of the CACNA1C protein (p.Pro313Arg). This variant is not present in population databases (gnomAD no frequency). This variant has not been reported in the literature in individuals affected with CACNA1C-related conditions. Invitae Evidence Modeling of protein sequence and biophysical properties (such as structural, functional, and spatial information, amino acid conservation, physicochemical variation, residue mobility, and thermodynamic stability) indicates that this missense variant is expected to disrupt CACNA1C protein function with a positive predictive value of 95%. In summary, the available evidence is currently insufficient to determine the role of this variant in disease. Therefore, it has been classified as a Variant of Uncertain Significance.